The following is an entry in ClinVar:

ClinVar aggregate classification (germline): Uncertain significance (1 of 4 stars; one submission).

Conditions:
Neurofibromatosis, type 1 (NF1). Also called: VON RECKLINGHAUSEN DISEASE; Neurofibromatosis, type I; Peripheral type neurofibromatosis; NEUROFIBROMATOSIS, TYPE I, SOMATIC. Identifiers: Orphanet 636, MedGen C0027831, MONDO:0018975, OMIM 162200. Disease mechanism: loss of function.

Submission:

Labcorp Genetics (formerly Invitae), Labcorp
Classification: Uncertain significance for Neurofibromatosis, type 1. Last evaluated: 2021-04-08. Review status: criteria provided, single submitter. Criteria: Invitae Variant Classification Sherloc (09022015). Collection method: clinical testing. Allele origin: germline.
Comment: In summary, the available evidence is currently insufficient to determine the role of this variant in disease. Therefore, it has been classified as a Variant of Uncertain Significance. Advanced modeling of protein sequence and biophysical properties (such as structural, functional, and spatial information, amino acid conservation, physicochemical variation, residue mobility, and thermodynamic stability) performed at Invitae indicates that this missense variant is expected to disrupt NF1 protein function. This variant has not been reported in the literature in individuals with NF1-related conditions. This variant is not present in population databases (ExAC no frequency). This sequence change replaces proline with threonine at codon 2225 of the NF1 protein (p.Pro2225Thr). The proline residue is moderately conserved and there is a small physicochemical difference between proline and threonine.

NM_001042492.3(NF1):c.6736C>A (p.Pro2246Thr)

Gene: NF1 (neurofibromin 1; plus strand). Cytogenetic location: 17q11.2.
Variant type: single nucleotide variant.
Coding change: c.6736C>A on transcript NM_001042492.3 (MANE Select); coding-DNA position 6736, C replaced by A.
Protein change: p.Pro2246Thr; replaces proline 2246 with threonine.
Molecular consequence: missense variant.
Genome position (GRCh38, 1-based): chr17:31,338,056, C>A. VCF-style: chr17-31338056-C-A. GRCh37 (hg19) VCF-style: chr17-29665074-C-A.
Other names: c.6673C>A, p.Pro2225Thr (NM_000267.4); short protein forms P2246T, P2225T.
Identifiers: ClinVar variation 1524337 (VCV001524337.8), dbSNP rs2151558118, ClinGen allele CA399014049.